The following is an entry in ClinVar:

NM_003630.3(PEX3):c.234G>A (p.Glu78=)

Gene: PEX3 (peroxisomal biogenesis factor 3; plus strand). Cytogenetic location: 6q24.2.
Variant type: single nucleotide variant.
Coding change: c.234G>A on transcript NM_003630.3 (MANE Select); coding-DNA position 234, G replaced by A.
Protein change: p.Glu78=; no amino-acid change (glutamic acid 78 retained).
Molecular consequence: synonymous variant.
Genome position (GRCh38, 1-based): chr6:143,462,944, G>A. VCF-style: chr6-143462944-G-A. GRCh37 (hg19) VCF-style: chr6-143784081-G-A.
Other names: c.234G>A (NM_003630.2).
Identifiers: ClinVar variation 2966423 (VCV002966423.4), dbSNP rs760054177, ClinGen allele CA4029503.

ClinVar aggregate classification (germline): Likely benign. Review status: criteria provided, multiple submitters, no conflicts (2 of 4 stars). 2 submissions from 2 submitters: Likely benign (2). Last evaluated 2026-04-24.

Conditions:
PEX3-related disorder. Also called: PEX3-related condition.

Allele frequency attached by ClinVar (database versions not stated): gnomAD exomes below 0.00001; ExAC 0.00001.
gnomAD v4.1: 4 of 1,613,554 alleles (0.00025%); highest among the groups gnomAD compares: East Asian, 0.0022%; no homozygotes.

Submissions (2):

PreventionGenetics, part of Exact Sciences
Classification: Likely benign for PEX3-related condition. Last evaluated: 2026-04-24. Review status: criteria provided, single submitter. Criteria: ACMG Guidelines, 2015. Collection method: clinical testing. Allele origin: germline.
Comment: This variant is classified as likely benign based on ACMG/AMP sequence variant interpretation guidelines (Richards et al. 2015 PMID: 25741868, with internal and published modifications).

Labcorp Genetics (formerly Invitae), Labcorp
Classification: Likely benign. Last evaluated: 2023-07-31. Review status: criteria provided, single submitter. Criteria: Invitae Variant Classification Sherloc (09022015). Collection method: clinical testing. Allele origin: germline.